The following is an entry in ClinVar:

NM_153460.4(IL17RC):c.105+134G>A

Gene: IL17RC (interleukin 17 receptor C; plus strand). Cytogenetic location: 3p25.3.
Variant type: single nucleotide variant.
Coding change: c.105+134G>A on transcript NM_153460.4 (MANE Select); 134 bases into the intron after coding-DNA position 105, G replaced by A.
Molecular consequence: intron variant. On other transcripts: missense variant (1).
Genome position (GRCh38, 1-based): chr3:9,917,554, G>A. VCF-style: chr3-9917554-G-A. GRCh37 (hg19) VCF-style: chr3-9959238-G-A.
Other names: c.239G>A, p.Arg80Lys (NM_153461.4); c.105+134G>A (NM_001203263.2, NM_001203264.2, NM_001367278.1 and 5 more transcripts); short protein forms R80K.
Identifiers: ClinVar variation 3686435 (VCV003686435.2).
Genomic context (GRCh38, chr3:9,917,554, plus strand): 5'-CTCCTGTCACTGCTGCCACTGCCAGAACTGCCCTGTCTGGTCTGTCTGGTGCTGATGGTA[G>A]AAGAGAAGAACGGGGAAGGGGCAAGAGCTGGGTCTGTCTTTCTCTGGGAGGGTCTGGGAA-3'

ClinVar aggregate classification (germline): Uncertain significance (1 of 4 stars; one submission).

Conditions:
Candidiasis, familial, 9 (CANDF9). Identifiers: Orphanet 1334, MedGen C4225324, MONDO:0014642, OMIM 616445.

gnomAD v4.1: 3 of 1,613,616 alleles (0.00019%); highest among the groups gnomAD compares: Non-Finnish European, 0.00017%; no homozygotes.

Submission:

Labcorp Genetics (formerly Invitae), Labcorp
Classification: Uncertain significance for Candidiasis, familial, 9. Last evaluated: 2024-07-31. Review status: criteria provided, single submitter. Criteria: Invitae Variant Classification Sherloc (09022015). Collection method: clinical testing. Allele origin: germline.
Comment: This sequence change replaces arginine, which is basic and polar, with lysine, which is basic and polar, at codon 80 of the IL17RC protein (p.Arg80Lys). This variant is not present in population databases (gnomAD no frequency). This variant has not been reported in the literature in individuals affected with IL17RC-related conditions. An algorithm developed to predict the effect of missense changes on protein structure and function outputs the following: PolyPhen-2: "Benign". The lysine amino acid residue is found in multiple mammalian species, which suggests that this missense change does not adversely affect protein function. In summary, the available evidence is currently insufficient to determine the role of this variant in disease. Therefore, it has been classified as a Variant of Uncertain Significance.